The following is an entry in ClinVar:

NM_000384.3(APOB):c.3508+17_3508+18del

Gene: APOB (apolipoprotein B; minus strand). Cytogenetic location: 2p24.1.
Variant type: Deletion.
Coding change: c.3508+17_3508+18del on transcript NM_000384.3 (MANE Select); bases 17 to 18 of the intron after coding-DNA position 3508, 2 bases deleted (CT; older notation c.3508+17_3508+18delCT).
Molecular consequence: intron variant.
Genome position (GRCh38, 1-based): chr2:21,015,352-21,015,353, AG deleted on the plus strand (CT on the coding strand, the reverse complement: APOB is on the minus strand). VCF-style (leftmost placement, unchanged base first): chr2-21015351-CAG-C. GRCh37 (hg19) VCF-style: chr2-21238223-CAG-C.
Identifiers: ClinVar variation 515590 (VCV000515590.1), dbSNP rs1553384473, ClinGen allele CA658795678.

ClinVar aggregate classification (germline): Likely benign (1 of 4 stars; one submission).

Allele frequency attached by ClinVar (database versions not stated): gnomAD exomes below 0.00001.

Submission:

GeneDx
Classification: Likely benign. Last evaluated: 2018-02-19. Review status: criteria provided, single submitter. Criteria: GeneDx Variant Classification (06012015). Collection method: clinical testing. Allele origin: germline. Affected: yes.
Comment: This variant is considered likely benign or benign based on one or more of the following criteria: it is a conservative change, it occurs at a poorly conserved position in the protein, it is predicted to be benign by multiple in silico algorithms, and/or has population frequency not consistent with disease.